The following is an entry in ClinVar:

NC_000006.11:g.(?_76540113)_(76621435_?)dup

Gene: MYO6 (myosin VI; plus strand). Cytogenetic location: 6q14.1.
Variant type: Duplication.
Identifiers: ClinVar variation 3246191 (VCV003246191.1).

ClinVar aggregate classification (germline): Likely pathogenic (1 of 4 stars; one submission).

Submission:

Labcorp Genetics (formerly Invitae), Labcorp
Classification: Likely pathogenic. Last evaluated: 2023-12-14. Review status: criteria provided, single submitter. Criteria: Invitae Variant Classification Sherloc (09022015). Collection method: clinical testing. Allele origin: unknown.
Comment: This variant results in a copy number gain of the genomic region encompassing exon(s) 5-33 of the MYO6 gene. While the exact position of this variant cannot be determined from the data, sub-genic copy number gains are generally in tandem (PMID: 25640679). This variant is predicted to be out-of-frame, and may result in an absent or disrupted protein product. Loss-of-function variants in MYO6 are known to be pathogenic (PMID: 12687499, 18348273, 23767834, 25999546, 30582396). This variant has not been reported in the literature in individuals affected with MYO6-related conditions. In summary, the currently available evidence indicates that the variant is pathogenic, but additional data are needed to prove that conclusively. Therefore, this variant has been classified as Likely Pathogenic.

Literature cited by the submitters: PubMed 25640679; PubMed 12687499; PubMed 18348273; PubMed 23767834; PubMed 25999546; PubMed 30582396.